The following is an entry in ClinVar:

NM_001379270.1(CNGA1):c.1285A>T (p.Arg429Trp)

Genes: CNGA1 (cyclic nucleotide gated channel subunit alpha 1; minus strand), LOC101927157 (uncharacterized LOC101927157; plus strand). Cytogenetic location: 4p12.
Variant type: single nucleotide variant.
Coding change: c.1285A>T on transcript NM_001379270.1 (MANE Select); coding-DNA position 1285, A replaced by T.
Protein change: p.Arg429Trp; replaces arginine 429 with tryptophan.
Molecular consequence: missense variant.
Genome position (GRCh38, 1-based): chr4:47,937,197, T>A on the plus strand (A>T on the coding strand, the complement: CNGA1 is on the minus strand). VCF-style: chr4-47937197-T-A. GRCh37 (hg19) VCF-style: chr4-47939214-T-A.
Other names: c.1285A>T, p.Arg429Trp (NM_000087.5, NM_001142564.2); short protein forms R429W.
Identifiers: ClinVar variation 2102141 (VCV002102141.4), dbSNP rs2475749617, ClinGen allele CA356826165.
Genomic context (GRCh38, chr4:47,937,197, plus strand): 5'-CTTCTTTCTCATCAACTGTTTTTTTGTTGGTCCACAGGTAGTCAAACCATTTAATAACCC[T>A]CTTTTCCATATCTTTGCTTACATTTCGAAAATGCATATATTGCTTGATAGCATCAATTCT-3'
Protein context (NP_001366199.1, residues 419-439): FRNVSKDMEK[Arg429Trp]VIKWFDYLWT

ClinVar aggregate classification (germline): Uncertain significance (1 of 4 stars; one submission).

Submission:

Labcorp Genetics (formerly Invitae), Labcorp
Classification: Uncertain significance. Last evaluated: 2022-02-24. Review status: criteria provided, single submitter. Criteria: Invitae Variant Classification Sherloc (09022015). Collection method: clinical testing. Allele origin: germline.
Comment: In summary, the available evidence is currently insufficient to determine the role of this variant in disease. Therefore, it has been classified as a Variant of Uncertain Significance. Algorithms developed to predict the effect of missense changes on protein structure and function (SIFT, PolyPhen-2, Align-GVGD) all suggest that this variant is likely to be disruptive. This variant has not been reported in the literature in individuals affected with CNGA1-related conditions. This variant is not present in population databases (gnomAD no frequency). This sequence change replaces arginine, which is basic and polar, with tryptophan, which is neutral and slightly polar, at codon 433 of the CNGA1 protein (p.Arg433Trp).